The following is an entry in ClinVar:

ClinVar aggregate classification (germline): Pathogenic. Review status: criteria provided, multiple submitters, no conflicts (2 of 4 stars). 3 submissions from 3 submitters: Pathogenic (3). Last evaluated 2025-12-24.

Conditions:
Marfan syndrome (MFS). Also called: MARFAN SYNDROME, TYPE I; FBN1-Related Marfan Syndrome; Marfan syndrome, classic; Marfan syndrome type 1; Marfan's syndrome. Identifiers: Orphanet 284963, Orphanet 558, MedGen C0024796, MONDO:0007947, OMIM 154700.
Familial thoracic aortic aneurysm and aortic dissection (TAAD). Also called: Thoracic aortic aneurysms and dissections. Identifiers: Orphanet 91387, MedGen C4707243, MONDO:0019625.

Submissions (3):

Labcorp Genetics (formerly Invitae), Labcorp
Classification: Pathogenic for Marfan syndrome; Familial thoracic aortic aneurysm and aortic dissection. Last evaluated: 2025-12-24. Review status: criteria provided, single submitter. Criteria: Invitae Variant Classification Sherloc (09022015). Collection method: clinical testing. Allele origin: germline.
Comment: This sequence change affects a donor splice site in intron 23 of the FBN1 gene. It is expected to disrupt RNA splicing. Variants that disrupt the donor or acceptor splice site typically lead to a loss of protein function (PMID: 16199547), and loss-of-function variants in FBN1 are known to be pathogenic (PMID: 17657824, 19293843). This variant is not present in population databases (gnomAD no frequency). Disruption of this splice site has been observed in individuals with Marfan syndrome (PMID: 19293843, 22772377). ClinVar contains an entry for this variant (Variation ID: 200174). Algorithms developed to predict the effect of sequence changes on RNA splicing suggest that this variant may disrupt the consensus splice site. For these reasons, this variant has been classified as Pathogenic.

Ambry Genetics
Classification: Pathogenic for Familial thoracic aortic aneurysm and aortic dissection. Last evaluated: 2024-04-16. Review status: criteria provided, single submitter. Criteria: Ambry Variant Classification Scheme 2023. Collection method: clinical testing. Allele origin: germline.
Comment: The c.2728+1G>C intronic pathogenic mutation results from a G to C substitution one nucleotide after coding exon 22 of the FBN1 gene. Alterations that disrupt the canonical splice site are expected to result in aberrant splicing. In silico splice site analysis predicts that this alteration will weaken the native splice donor site. The resulting transcript is predicted to be in-frame and is not expected to trigger nonsense-mediated mRNAdecay; however, direct evidence is unavailable. The exact functional effect of the altered amino acid sequence is unknown; however, the impacted region is critical for protein function (Ambry internal data). This alteration has been reported in individuals with Marfan syndrome (Ambry internal data). This variant is considered to be rare based on population cohorts in the Genome Aggregation Database (gnomAD). This nucleotide position is highly conserved in available vertebrate species. Based on the majority of available evidence to date, this variant is likely to be pathogenic.

GeneDx
Classification: Pathogenic. Last evaluated: 2014-09-29. Review status: criteria provided, single submitter. Criteria: GeneDx Variant Classification (06012015). Collection method: clinical testing. Allele origin: germline. Affected: yes.
Comment: c.2728+1 G>C: IVS23+1 G>C in intron 23 of the FBN1 gene (NM_000138.4) Although the FBN1 mutation has not been reported as a disease- causing mutation or as a benign polymorphism to our knowledge, this mutation destroys the canonical splice donor site in intron 23 and is predicted to cause abnormal gene splicing. The mutation is predicted to lead to either an abnormal message that is subject to nonsense-mediated mRNA decay, or to an abnormal protein product if the message is used for protein translation. Other splice site mutations in the FBN1 gene have been reported in association with Marfan syndrome. In summary, c.2728+1 G>C in the FBN1 gene is interpreted as a disease-causing mutation.The variant is found in TAAD panel(s).

Literature cited by the submitters: PubMed 16199547 (cited by Labcorp Genetics (formerly Invitae), Labcorp); PubMed 17657824 (cited by Labcorp Genetics (formerly Invitae), Labcorp); PubMed 19293843 (cited by Labcorp Genetics (formerly Invitae), Labcorp); PubMed 22772377 (cited by Labcorp Genetics (formerly Invitae), Labcorp).

NM_000138.5(FBN1):c.2728+1G>C

Gene: FBN1 (fibrillin 1; minus strand). Cytogenetic location: 15q21.1.
Variant type: single nucleotide variant.
Coding change: c.2728+1G>C on transcript NM_000138.5 (MANE Select); the canonical splice donor site of the intron after coding-DNA position 2728, G replaced by C.
Molecular consequence: splice donor variant.
Genome position (GRCh38, 1-based): chr15:48,494,203, C>G on the plus strand (G>C on the coding strand, the complement: FBN1 is on the minus strand). VCF-style: chr15-48494203-C-G. GRCh37 (hg19) VCF-style: chr15-48786400-C-G.
Other names: c.2728+1G>C (NM_001406716.1).
Identifiers: ClinVar variation 200174 (VCV000200174.13), dbSNP rs794728322, ClinGen allele CA013392.